The following is an entry in ClinVar:

NM_152564.5(VPS13B):c.4630G>T (p.Glu1544Ter)

Gene: VPS13B (vacuolar protein sorting 13 homolog B; plus strand). Cytogenetic location: 8q22.2.
Variant type: single nucleotide variant.
Coding change: c.4630G>T on transcript NM_152564.5 (MANE Select); coding-DNA position 4630, G replaced by T.
Protein change: p.Glu1544Ter; replaces glutamic acid 1544 with a stop codon.
Molecular consequence: nonsense.
Genome position (GRCh38, 1-based): chr8:99,511,509, G>T. VCF-style: chr8-99511509-G-T. GRCh37 (hg19) VCF-style: chr8-100523737-G-T.
Other names: c.4705G>T, p.Glu1569Ter (NM_017890.5); short protein forms E1544*, E1569*.
Identifiers: ClinVar variation 5015265 (VCV005015265.1).

ClinVar aggregate classification (germline): Pathogenic (1 of 4 stars; one submission).

Conditions:
Cohen syndrome (COH1). Also called: Cutis verticis gyrata, retinitis pigmentosa, and sensorineural deafness; PEPPER SYNDROME. Identifiers: Orphanet 193, MedGen C0265223, MONDO:0008999, OMIM 216550.

Submission:

Myriad Genetics, Inc.
Classification: Pathogenic for Cohen syndrome. Last evaluated: 2025-11-26. Review status: criteria provided, single submitter. Criteria: Myriad Autosomal Dominant, Autosomal Recessive and X-Linked Classification Criteria (2023). Collection method: clinical testing. Allele origin: unknown.
Comment: NM_017890.4(VPS13B):c.4705G>T(E1569*) is expected to be pathogenic in the context of Cohen syndrome. This variant is predicted to lead to an abnormal or absent protein product due to the creation of a premature termination codon in VPS13B, a gene where loss-of-function variants are known to be pathogenic. Please note: this variant was assessed in the context of healthy population screening.